The following is an entry in ClinVar:

NM_001394372.1(BICRA):c.1602C>A (p.Ser534=)

Gene: BICRA (BRD4 interacting chromatin remodeling complex associated protein; plus strand). Cytogenetic location: 19q13.33.
Variant type: single nucleotide variant.
Coding change: c.1602C>A on transcript NM_001394372.1 (MANE Select); coding-DNA position 1602, C replaced by A.
Protein change: p.Ser534=; no amino-acid change (serine 534 retained).
Molecular consequence: synonymous variant.
Genome position (GRCh38, 1-based): chr19:47,680,772, C>A. VCF-style: chr19-47680772-C-A. GRCh37 (hg19) VCF-style: chr19-48184029-C-A.
Other names: NC_000019.9:g.48184029C>A; c.1602C>A, p.Ser534= (NM_015711.3).
Identifiers: ClinVar variation 2571050 (VCV002571050.29), dbSNP rs201151265, ClinGen allele CA9541762.

ClinVar aggregate classification (germline): Likely benign. Review status: criteria provided, single submitter (1 of 4 stars). 2 submissions from 2 submitters: Likely benign (1). 1 of the submissions does not count toward it. Last evaluated 2026-09-01.

Conditions:
BICRA-related disorder. Also called: BICRA-related condition.

Allele frequency attached by ClinVar (database versions not stated): 1000 Genomes Project 30x 0.00031; 1000 Genomes Project 0.00040; ESP Exome Variant Server 0.00197.
gnomAD v4.1: 3,350 of 1,610,112 alleles (0.21%); highest among the groups gnomAD compares: Non-Finnish European, 0.25%; 8 homozygotes.

Submissions (3):

CeGaT Center for Human Genetics Tuebingen
Classification: Likely benign. Last evaluated: 2026-09-01. Review status: criteria provided, single submitter. Criteria: CeGaT Center For Human Genetics Tuebingen Variant Classification Criteria Version 2. Collection method: clinical testing. Allele origin: germline. Affected: yes. Observed: 25 variant alleles.
Comment: BICRA: BP4, BP7, BS1

PreventionGenetics, part of Exact Sciences
Classification: Likely benign for BICRA-related condition. Last evaluated: 2022-02-09. Review status: no assertion criteria provided. Collection method: clinical testing. Allele origin: germline. Not counted in ClinVar's aggregate classification.
Comment: This variant is classified as likely benign based on ACMG/AMP sequence variant interpretation guidelines (Richards et al. 2015 PMID: 25741868, with internal and published modifications).

Dr. Peter K. Rogan Lab, Western University
No classification provided (evidence only). Condition: Malignant tumor of urinary bladder. Review status: no classification provided. Collection method: in vitro. Allele origin: not applicable. Functional consequence: retained intron. Not counted in ClinVar's aggregate classification.